The following continues an entry in ClinVar:

NM_000218.3(KCNQ1):c.727C>T (p.Arg243Cys)

Gene: KCNQ1. ClinVar aggregate classification (germline): Pathogenic/Likely pathogenic. Pathogenic (6); Likely pathogenic (1).

Submissions 6 to 8 of 8:

Victorian Clinical Genetics Services, Murdoch Childrens Research Institute
Classification: Pathogenic for Long QT syndrome 1. Last evaluated: 2022-03-31. Review status: criteria provided, single submitter. Criteria: ACMG Guidelines, 2015. Collection method: clinical testing. Allele origin: germline. Inheritance: Autosomal dominant inheritance. Affected: yes.
Comment: Based on the classification scheme VCGS_Germline_v1.3.4, this variant is classified as Pathogenic. Following criteria are met: 0103 - Dominant negative, loss of function and gain of function are known mechanisms of disease in this gene. Gain of function variants result exclusively in short QT syndrome (MIM#609621), while dominant negative and loss of function variants can cause long QT syndrome (LQTS, MIM#192500), atrial fibrillation (MIM#607554) and Jervell and Lange-Nielsen syndrome (JLNS, MIM#220400) (OMIM, PMIDs: 19632626, 28438721). (I) 0108 - This gene is known to be associated with both recessive and dominant disease. JLNS is characterized by congenital, bilateral deafness and variable degrees of QT prolongation, and is the only condition caused by biallelic variants (PMID: 28438721). (I) 0112 - The condition associated with this gene has incomplete penetrance (OMIM, PMID: 20301308). (I) 0200 - Variant is predicted to result in a missense amino acid change from arginine to cysteine. (I) 0251 - This variant is heterozygous. (I) 0302 - Variant is present in gnomAD (v2, v3) <0.001 for a dominant condition (1 heterozygote, 0 homozygotes). (SP) 0309 - An alternative amino acid change at the same position has been observed in gnomAD (v2) (2 heterozygotes, 0 homozygotes). (I) 0501 - Missense variant consistently predicted to be damaging by multiple in silico tools and highly conserved with a major amino acid change. (SP) 0601 - Variant is located in the well-established functional ion transporter domain (DECIPHER). (SP) 0702 - Other missense variants comparable to the one identified in this case have strong previous evidence for pathogenicity. The p.(Arg243His), p.(Arg243Ile) and p.(Arg243Ser) comparable variants have been classified as pathogenic and likely pathogenic and have been identified in individuals with long QT syndrome (LQTS). Additionally, the p.(Arg243His) comparable variant has also been reported to be homozygous and compound heterozygous individuals with Jervell and Lange-Nielsen syndrome, where additional variants in other genes were also identified (ClinVar; PMIDs: 29037160, 10728423, 11140949, 10090886, 26022593, 23400408; 32893267, 15234419). (SP) 0801 - This variant has strong previous evidence of pathogenicity in unrelated individuals. This variant has been reported as pathogenic and observed in many individuals with LQTS (VCGS; ClinVar; PMIDs: 19716085, 15840476, 32893267, 30686478). (SP) 1208 - Inheritance information for this variant is not currently available in this individual. (I) Legend: (SP) - Supporting pathogenic, (I) - Information, (SB) - Supporting benign

Women's Health and Genetics/Laboratory Corporation of America, LabCorp
Classification: Pathogenic for Long QT syndrome. Last evaluated: 2018-01-15. Review status: criteria provided, single submitter. Criteria: LabCorp Variant Classification Summary - May 2015. Collection method: clinical testing. Allele origin: germline.
Comment: Variant summary: The KCNQ1 c.727C>T (p.Arg243Cys) variant located in the ion transport domain (via InterPro) involves the alteration of a conserved nucleotide and 5/5 in silico tools predict a damaging outcome for this variant, which is supported by multiple functional studies (Barshehset_2012). This variant was found in 1/244610 control chromosomes (gnomAD) at a frequency of 0.0000041, which does not exceed the estimated maximal expected allele frequency of a pathogenic KCNQ1 variant (0.0000833). Multiple publications, Amin_2012 and Liu_2008, have found the variant in affected individuals including one large family, which the variant segregated with disease. In addition, multiple clinical diagnostic laboratories/reputable databases classified this variant as pathogenic. Taken together, this variant is classified as pathogenic.

Cardiovascular Biomedical Research Unit, Royal Brompton & Harefield NHS Foundation Trust
No classification provided. Condition: Familial long QT syndrome. Review status: no classification provided. Collection method: literature only. Allele origin: germline. Not counted in ClinVar's aggregate classification.
Comment: This variant has been reported as associated with Long QT syndrome in the following publications (PMID:10409658;PMID:10973849;PMID:12877697;PMID:14678125;PMID:15028050;PMID:15466642;PMID:15840476;PMID:19716085;PMID:19841300;PMID:19934648;PMID:15234419;PMID:17470695;PMID:22456477). This is a literature report, and does not necessarily reflect the clinical interpretation of the Imperial College / Royal Brompton Cardiovascular Genetics laboratory.

Literature cited by the submitters: PubMed 10973849 (cited by 3 submitters); PubMed 12877697 (cited by 3 submitters); PubMed 14678125 (cited by 3 submitters); PubMed 15234419 (cited by 4 submitters); PubMed 15466642 (cited by 3 submitters); PubMed 15469540 (cited by Labcorp Genetics (formerly Invitae), Labcorp and Ambry Genetics); PubMed 15840476 (cited by 4 submitters); PubMed 17470695 (cited by 3 submitters); PubMed 19716085 (cited by 3 submitters); PubMed 19841300 (cited by 4 submitters); PubMed 20167303 (cited by Labcorp Genetics (formerly Invitae), Labcorp and Ambry Genetics); PubMed 10409658 (cited by 4 submitters); PubMed 19934648 (cited by 3 submitters); PubMed 22456477 (cited by 3 submitters); PubMed 26318259 (cited by Color Diagnostics, LLC DBA Color Health); PubMed 28600387 (cited by Color Diagnostics, LLC DBA Color Health); PubMed 29672598 (cited by Color Diagnostics, LLC DBA Color Health); PubMed 30686478 (cited by Color Diagnostics, LLC DBA Color Health and Victorian Clinical Genetics Services, Murdoch Childrens Research Institute); PubMed 32893267 (cited by Color Diagnostics, LLC DBA Color Health and Victorian Clinical Genetics Services, Murdoch Childrens Research Institute); PubMed 10090886 (cited by Victorian Clinical Genetics Services, Murdoch Childrens Research Institute); PubMed 10728423 (cited by Victorian Clinical Genetics Services, Murdoch Childrens Research Institute); PubMed 11140949 (cited by Victorian Clinical Genetics Services, Murdoch Childrens Research Institute); PubMed 16922724 (cited by Victorian Clinical Genetics Services, Murdoch Childrens Research Institute); PubMed 19632626 (cited by Victorian Clinical Genetics Services, Murdoch Childrens Research Institute); PubMed 20301308 (cited by Victorian Clinical Genetics Services, Murdoch Childrens Research Institute); PubMed 23400408 (cited by Victorian Clinical Genetics Services, Murdoch Childrens Research Institute); PubMed 26022593 (cited by Victorian Clinical Genetics Services, Murdoch Childrens Research Institute); PubMed 28438721 (cited by Victorian Clinical Genetics Services, Murdoch Childrens Research Institute); PubMed 29037160 (cited by Victorian Clinical Genetics Services, Murdoch Childrens Research Institute); PubMed 22199116 (cited by Women's Health and Genetics/Laboratory Corporation of America, LabCorp); PubMed 18713323 (cited by Women's Health and Genetics/Laboratory Corporation of America, LabCorp); PubMed 15028050 (cited by Cardiovascular Biomedical Research Unit, Royal Brompton & Harefield NHS Foundation Trust); PubMed 22581653 (cited by Cardiovascular Biomedical Research Unit, Royal Brompton & Harefield NHS Foundation Trust).